The following is an entry in ClinVar:

NM_001002295.2(GATA3):c.766del (p.Arg256fs)

Gene: GATA3 (GATA binding protein 3; plus strand). Cytogenetic location: 10p14.
Variant type: Deletion.
Coding change: c.766del on transcript NM_001002295.2 (MANE Select); coding-DNA position 766, one base deleted (C; older notation c.766delC).
Protein change: p.Arg256fs; shifts the reading frame from arginine 256.
Molecular consequence: frameshift variant.
Genome position (GRCh38, 1-based): chr10:8,058,829, C deleted; the last of 3 consecutive C bases (chr10:8,058,827-8,058,829); deleting any one gives the same sequence. VCF-style (leftmost placement, unchanged base first): chr10-8058826-GC-G. GRCh37 (hg19) VCF-style: chr10-8100789-GC-G.
Other names: c.766del, p.Arg256fs (NM_002051.3); short protein forms R256fs.
Identifiers: ClinVar variation 3726569 (VCV003726569.2).

ClinVar aggregate classification (germline): Pathogenic (1 of 4 stars; one submission).

Submission:

Labcorp Genetics (formerly Invitae), Labcorp
Classification: Pathogenic. Last evaluated: 2025-04-17. Review status: criteria provided, single submitter. Criteria: Invitae Variant Classification Sherloc (09022015). Collection method: clinical testing. Allele origin: germline.
Comment: This sequence change creates a premature translational stop signal (p.Arg256Glyfs*10) in the GATA3 gene. It is expected to result in an absent or disrupted protein product. Loss-of-function variants in GATA3 are known to be pathogenic (PMID: 14985365, 21242646). This variant is not present in population databases (gnomAD no frequency). This variant has not been reported in the literature in individuals affected with GATA3-related conditions. ClinVar contains an entry for this variant (Variation ID: 3726569). For these reasons, this variant has been classified as Pathogenic.

Literature cited by the submitters: PubMed 14985365; PubMed 21242646.